The following is an entry in ClinVar:

ClinVar aggregate classification (germline): Uncertain significance (1 of 4 stars; one submission).

gnomAD v4.1: 1 of 1,612,892 alleles (0.000062%); highest among the groups gnomAD compares: Non-Finnish European, 0.000085%; no homozygotes.

Submission:

Labcorp Genetics (formerly Invitae), Labcorp
Classification: Uncertain significance. Last evaluated: 2025-12-22. Review status: criteria provided, single submitter. Criteria: Invitae Variant Classification Sherloc (09022015). Collection method: clinical testing. Allele origin: germline.
Comment: This sequence change replaces isoleucine, which is neutral and non-polar, with methionine, which is neutral and non-polar, at codon 172 of the CFB protein (p.Ile172Met). This variant is not present in population databases (gnomAD no frequency). This variant has not been reported in the literature in individuals affected with CFB-related conditions. Invitae Evidence Modeling of protein sequence and biophysical properties (such as structural, functional, and spatial information, amino acid conservation, physicochemical variation, residue mobility, and thermodynamic stability) indicates that this missense variant is expected to disrupt CFB protein function with a positive predictive value of 80%. In summary, the available evidence is currently insufficient to determine the role of this variant in disease. Therefore, it has been classified as a Variant of Uncertain Significance.

NM_001710.6(CFB):c.516T>G (p.Ile172Met)

Gene: CFB (complement factor B; plus strand). Cytogenetic location: 6p21.33.
Variant type: single nucleotide variant.
Coding change: c.516T>G on transcript NM_001710.6 (MANE Select); coding-DNA position 516, T replaced by G.
Protein change: p.Ile172Met; replaces isoleucine 172 with methionine.
Molecular consequence: missense variant.
Genome position (GRCh38, 1-based): chr6:31,947,379, T>G. VCF-style: chr6-31947379-T-G. GRCh37 (hg19) VCF-style: chr6-31915156-T-G.
Other names: short protein forms I172M.
Identifiers: ClinVar variation 4809942 (VCV004809942.1).